The following is an entry in ClinVar:

ClinVar aggregate classification (germline): Benign/Likely benign. Review status: criteria provided, multiple submitters, no conflicts (2 of 4 stars). 7 submissions from 7 submitters: Benign (4); Likely benign (3). Last evaluated 2025-12-11.

Conditions:
TTBK2-related disorder. Also called: TTBK2-related condition.
Spinocerebellar ataxia type 11 (SCA11). Identifiers: Orphanet 98767, MedGen C1858351, MONDO:0011464, OMIM 604432.

Allele frequency attached by ClinVar (database versions not stated): gnomAD 0.00027 and 0.00036; TOPMed 0.00032; ESP Exome Variant Server 0.00033; gnomAD exomes 0.00057 and 0.00067; 1000 Genomes Project 30x 0.00062; ExAC 0.00069; 1000 Genomes Project 0.00080.
gnomAD v4.1: 896 of 1,609,078 alleles (0.056%); highest among the groups gnomAD compares: South Asian, 0.36%; 2 homozygotes.

Submissions (7):

PreventionGenetics, part of Exact Sciences
Classification: Likely benign for TTBK2-related condition. Last evaluated: 2025-12-11. Review status: criteria provided, single submitter. Criteria: ACMG Guidelines, 2015. Collection method: clinical testing. Allele origin: germline.
Comment: This variant is classified as likely benign based on ACMG/AMP sequence variant interpretation guidelines (Richards et al. 2015 PMID: 25741868, with internal and published modifications).

Mayo Clinic Laboratories, Mayo Clinic
Classification: Benign. Last evaluated: 2025-08-04. Review status: criteria provided, single submitter. Criteria: ACMG Guidelines, 2015. Collection method: clinical testing. Allele origin: germline. Observed: 1 variant allele.
Comment: BS1, BS2, BP4_moderate

Labcorp Genetics (formerly Invitae), Labcorp
Classification: Benign. Last evaluated: 2025-07-16. Review status: criteria provided, single submitter. Criteria: Invitae Variant Classification Sherloc (09022015). Collection method: clinical testing. Allele origin: germline.

CeGaT Center for Human Genetics Tuebingen
Classification: Likely benign. Last evaluated: 2025-02-01. Review status: criteria provided, single submitter. Criteria: CeGaT Center For Human Genetics Tuebingen Variant Classification Criteria Version 2. Collection method: clinical testing. Allele origin: germline. Affected: yes. Observed: 3 variant alleles.
Comment: TTBK2: BP4, BS1

Blueprint Genetics
Classification: Likely benign. Last evaluated: 2024-10-14. Review status: criteria provided, single submitter. Criteria: ACMG Guidelines, 2015. Collection method: clinical testing. Allele origin: germline.

Illumina Laboratory Services, Illumina
Classification: Benign for Spinocerebellar ataxia type 11. Last evaluated: 2018-01-13. Review status: criteria provided, single submitter. Criteria: ICSL Variant Classification Criteria 13 December 2019. Collection method: clinical testing. Allele origin: germline.
Comment: This variant was observed in the ICSL laboratory as part of a predisposition screen in an ostensibly healthy population. It had not been previously curated by ICSL or reported in the Human Gene Mutation Database (HGMD: prior to June 1st, 2018), and was therefore a candidate for classification through an automated scoring system. Utilizing variant allele frequency, disease prevalence and penetrance estimates, and inheritance mode, an automated score was calculated to assess if this variant is too frequent to cause the disease. Based on the score and internal cut-off values, a variant classified as benign is not then subjected to further curation. The score for this variant resulted in a classification of benign for this disease.

Breakthrough Genomics
Classification: Benign. Review status: criteria provided, single submitter. Criteria: ACMG Guidelines, 2015. Collection method: not provided. Allele origin: germline. Inheritance: Autosomal dominant inheritance. Affected: yes.

NM_173500.4(TTBK2):c.2171G>A (p.Gly724Glu)

Gene: TTBK2 (tau tubulin kinase 2; minus strand). Cytogenetic location: 15q15.2.
Variant type: single nucleotide variant.
Coding change: c.2171G>A on transcript NM_173500.4 (MANE Select); coding-DNA position 2171, G replaced by A.
Protein change: p.Gly724Glu; replaces glycine 724 with glutamic acid.
Molecular consequence: missense variant.
Genome position (GRCh38, 1-based): chr15:42,753,075, C>T on the plus strand (G>A on the coding strand, the complement: TTBK2 is on the minus strand). VCF-style: chr15-42753075-C-T. GRCh37 (hg19) VCF-style: chr15-43045273-C-T.
Other names: short protein forms G724E.
Identifiers: ClinVar variation 315989 (VCV000315989.41), dbSNP rs201524659, ClinGen allele CA7516772.